The following is an entry in ClinVar:

ClinVar aggregate classification (germline): Likely benign (1 of 4 stars; one submission).

Allele frequency attached by ClinVar (database versions not stated): gnomAD 0.00015; ESP Exome Variant Server 0.00023; TOPMed 0.00026; ExAC 0.00029.
gnomAD v4.1: 219 of 1,582,924 alleles (0.014%); highest among the groups gnomAD compares: Middle Eastern, 0.3%; no homozygotes.

Submission:

CeGaT Center for Human Genetics Tuebingen
Classification: Likely benign. Last evaluated: 2023-04-01. Review status: criteria provided, single submitter. Criteria: CeGaT Center For Human Genetics Tuebingen Variant Classification Criteria Version 2. Collection method: clinical testing. Allele origin: germline. Affected: yes. Observed: 1 variant allele.
Comment: HGS: BP4, BP7

NM_004712.5(HGS):c.1446G>A (p.Gly482=)

Gene: HGS (hepatocyte growth factor-regulated tyrosine kinase substrate; plus strand). Cytogenetic location: 17q25.3.
Variant type: single nucleotide variant.
Coding change: c.1446G>A on transcript NM_004712.5 (MANE Select); coding-DNA position 1446, G replaced by A.
Protein change: p.Gly482=; no amino-acid change (glycine 482 retained).
Molecular consequence: synonymous variant.
Genome position (GRCh38, 1-based): chr17:81,696,409, G>A. VCF-style: chr17-81696409-G-A. GRCh37 (hg19) VCF-style: chr17-79663439-G-A.
Identifiers: ClinVar variation 2648463 (VCV002648463.24), dbSNP rs377520640, ClinGen allele CA8840797.
Genomic context (GRCh38, chr17:81,696,409, plus strand): 5'-GCCCACAGTGTACTATGAGGGGCTGCAGGACAAGCTGGCACAGATCCGCGATGCCCGGGG[G>A]GCGCTGAGTGCCCTGCGCGAAGAGCACCGGGAGAAGCTTCGCCGGGCAGCCGAGGAGGCA-3'
Protein context (NP_004703.1, residues 472-492): DKLAQIRDAR[Gly482=]ALSALREEHR